The following is an entry in ClinVar:

ClinVar aggregate classification (germline): Pathogenic/Likely pathogenic. Review status: criteria provided, multiple submitters, no conflicts (2 of 4 stars). 2 submissions from 2 submitters: Pathogenic (1); Likely pathogenic (1). Last evaluated 2025-10-07.

Conditions:
VPS13A-related neurodegenerative disease. Also called: Choreoacanthocytosis; Chorea-acanthocytosis; VPS13A Disease; LEVINE-CRITCHLEY SYNDROME; ACANTHOCYTOSIS WITH NEUROLOGIC DISORDER; Choreaacanthocytosis. Identifiers: Orphanet 2388, MedGen C0393576, MONDO:0008695, OMIM 200150.

Submissions (2):

Natera, Inc.
Classification: Pathogenic for Choreaacanthocytosis. Last evaluated: 2025-10-07. Review status: criteria provided, single submitter. Criteria: Natera Variant Classification Schema (03/2026). Collection method: clinical testing. Allele origin: germline.
Comment: The c.755-2A>G variant in VPS13A is a canonical splice acceptor site variant predicted to affect pre-mRNA splicing, which may result in an abnormal transcript and altered protein product. This variant is expected to result in nonsense mediated decay, truncation, or a dysfunctional protein product. This variant is rare in the general population with a frequency below the threshold expected for the associated phenotype(s). Another variant at this same site results in an alteration predicted to cause a similar molecular effect has been observed in individual(s) with the associated phenotype. Given the available evidence, this variant is classified as Pathogenic.

Labcorp Genetics (formerly Invitae), Labcorp
Classification: Likely pathogenic. Last evaluated: 2021-12-25. Review status: criteria provided, single submitter. Criteria: Invitae Variant Classification Sherloc (09022015). Collection method: clinical testing. Allele origin: germline.
Comment: This sequence change affects an acceptor splice site in intron 10 of the VPS13A gene. It is expected to disrupt RNA splicing. Variants that disrupt the donor or acceptor splice site typically lead to a loss of protein function (PMID: 16199547), and loss-of-function variants in VPS13A are known to be pathogenic (PMID: 12404112, 21598378). This variant is not present in population databases (gnomAD no frequency). This variant has not been reported in the literature in individuals affected with VPS13A-related conditions. Algorithms developed to predict the effect of sequence changes on RNA splicing suggest that this variant may disrupt the consensus splice site. In summary, the currently available evidence indicates that the variant is pathogenic, but additional data are needed to prove that conclusively. Therefore, this variant has been classified as Likely Pathogenic.

Literature cited by the submitters: PubMed 16199547 (cited by Labcorp Genetics (formerly Invitae), Labcorp); PubMed 12404112 (cited by Labcorp Genetics (formerly Invitae), Labcorp); PubMed 21598378 (cited by Labcorp Genetics (formerly Invitae), Labcorp).

NM_033305.3(VPS13A):c.755-2A>G

Gene: VPS13A (vacuolar protein sorting 13 homolog A; plus strand). Cytogenetic location: 9q21.2.
Variant type: single nucleotide variant.
Coding change: c.755-2A>G on transcript NM_033305.3 (MANE Select); the canonical splice acceptor site of the intron before coding-DNA position 755, A replaced by G.
Molecular consequence: splice acceptor variant.
Genome position (GRCh38, 1-based): chr9:77,219,952, A>G. VCF-style: chr9-77219952-A-G. GRCh37 (hg19) VCF-style: chr9-79834868-A-G.
Other names: c.755-2A>G (NM_001018037.2, NM_015186.4, NM_001018038.3 and 1 more transcripts).
Identifiers: ClinVar variation 1966902 (VCV001966902.3), dbSNP rs2537595474, ClinGen allele CA373843009.
Genomic context (GRCh38, chr9:77,219,952, plus strand): 5'-TTTATTGCCTTGAGACTTTGGAAATATAACTCAGTTTTTTTTCCATTTTTATTATTTTTC[A>G]GTATTTCGTCCCATATCTGCTAATGCCAAACTTGTGATGAATCGCCGATCTGATTTTGAC-3'